The following is an entry in ClinVar:

ClinVar aggregate classification (germline): Uncertain significance. Review status: criteria provided, multiple submitters, no conflicts (2 of 4 stars). 2 submissions from 2 submitters: Uncertain significance (2). Last evaluated 2022-01-15.

Conditions:
Norman-Roberts syndrome (LIS2). Also called: Lissencephaly 2 (Norman-Roberts type). Identifiers: Orphanet 89844, MedGen C0796089, MONDO:0009760, OMIM 257320.
Familial temporal lobe epilepsy 7. Identifiers: Orphanet 101046, MedGen C4225327, MONDO:0014639, OMIM 616436.

Allele frequency attached by ClinVar (database versions not stated): gnomAD exomes below 0.00001; gnomAD 0.00001; TOPMed 0.00001.
gnomAD v4.1: 2 of 1,579,198 alleles (0.00013%); highest among the groups gnomAD compares: Non-Finnish European, 0.00017%; no homozygotes.

Submissions (2):

Labcorp Genetics (formerly Invitae), Labcorp
Classification: Uncertain significance for Familial temporal lobe epilepsy 7; Norman-Roberts syndrome. Last evaluated: 2022-01-15. Review status: criteria provided, single submitter. Criteria: Invitae Variant Classification Sherloc (09022015). Collection method: clinical testing. Allele origin: germline.
Comment: This sequence change falls in intron 15 of the RELN gene. It does not directly change the encoded amino acid sequence of the RELN protein. It affects a nucleotide within the consensus splice site. In summary, the available evidence is currently insufficient to determine the role of this variant in disease. Therefore, it has been classified as a Variant of Uncertain Significance. Variants that disrupt the consensus splice site are a relatively common cause of aberrant splicing (PMID: 17576681, 9536098). Algorithms developed to predict the effect of sequence changes on RNA splicing suggest that this variant may create or strengthen a splice site. ClinVar contains an entry for this variant (Variation ID: 909384). This variant has not been reported in the literature in individuals affected with RELN-related conditions. This variant is present in population databases (no rsID available, gnomAD 0.0009%).

Illumina Laboratory Services, Illumina
Classification: Uncertain significance for Norman-Roberts syndrome. Last evaluated: 2018-01-13. Review status: criteria provided, single submitter. Criteria: ICSL Variant Classification Criteria 13 December 2019. Collection method: clinical testing. Allele origin: germline.

Literature cited by the submitters: PubMed 17576681 (cited by Labcorp Genetics (formerly Invitae), Labcorp); PubMed 9536098 (cited by Labcorp Genetics (formerly Invitae), Labcorp).

NM_005045.4(RELN):c.1893-3C>T

Gene: RELN (reelin; minus strand). Cytogenetic location: 7q22.1.
Variant type: single nucleotide variant.
Coding change: c.1893-3C>T on transcript NM_005045.4 (MANE Select); 3 bases into the intron before coding-DNA position 1893, C replaced by T.
Molecular consequence: intron variant.
Genome position (GRCh38, 1-based): chr7:103,650,386, G>A on the plus strand (C>T on the coding strand, the complement: RELN is on the minus strand). VCF-style: chr7-103650386-G-A. GRCh37 (hg19) VCF-style: chr7-103290833-G-A.
Other names: c.1893-3C>T (NM_173054.3).
Identifiers: ClinVar variation 909384 (VCV000909384.9), dbSNP rs1214133012, ClinGen allele CA576960959.